The following continues an entry in ClinVar:

NM_001267550.2(TTN):c.26494A>G (p.Ile8832Val)

Gene: TTN. ClinVar aggregate classification (germline): Conflicting classifications of pathogenicity. Uncertain significance (11); Benign (2); Likely benign (8).

Submissions 16 to 25 of 25:

Illumina Laboratory Services, Illumina
Classification: Uncertain significance for Dilated cardiomyopathy 1G. Last evaluated: 2018-01-13. Review status: criteria provided, single submitter. Criteria: ICSL Variant Classification Criteria 13 December 2019. Collection method: clinical testing. Allele origin: germline.

CHEO Genetics Diagnostic Laboratory, Children's Hospital of Eastern Ontario
Classification: Uncertain significance for Cardiomyopathy. Last evaluated: 2017-12-20. Review status: criteria provided, single submitter. Criteria: ACMG Guidelines, 2015. Collection method: clinical testing. Allele origin: germline.

Genetic Services Laboratory, University of Chicago
Classification: Uncertain significance. Last evaluated: 2016-09-20. Review status: criteria provided, single submitter. Criteria: ACMG Guidelines, 2015. Collection method: clinical testing. Allele origin: germline. Affected: no.

Eurofins Ntd Llc (ga)
Classification: Uncertain significance. Last evaluated: 2015-09-25. Review status: criteria provided, single submitter. Criteria: EGL Classification Definitions 2015. Collection method: clinical testing. Allele origin: germline. Observed: 8 variant alleles, 7 heterozygotes.

Laboratory for Molecular Medicine, Mass General Brigham Personalized Medicine
Classification: Uncertain significance. Last evaluated: 2014-09-19. Review status: criteria provided, single submitter. Criteria: LMM Criteria. Collection method: clinical testing. Allele origin: germline. Observed: 5 variant alleles.
Comment: Variant classified as Uncertain Significance - Favor Benign. This variant has been also been identified in 0.1% (8/8156) of European American chromosomes by the NHLBI Exome Sequencing Project (Ng 2013; dbSNP rs72648989). Computational prediction tools and conservation analysis suggest that the Ile7588Val variant may not impa ct the protein, though this information is not predictive enough to rule out pat hogenicity. In addition, 1 fish (yellowbelly pufferfish) carries a valine at thi s position, raising the possibility that this change may be tolerated. In summar y, while the clinical significance of the Ile7588Val variant is uncertain, its f requency in controls suggests that it is more likely to be benign.

Biesecker Lab/Clinical Genomics Section, National Institutes of Health
Classification: Uncertain significance. Last evaluated: 2013-06-24. Review status: criteria provided, single submitter. Criteria: Ng et al. (Circ Cardiovasc Genet. 2013). Collection method: research. Allele origin: unknown. Observed: 1 variant allele. Study: ClinSeq.
Comment: The study set was not selected for affection status in relation to any cancer. Pathogenicity categories were based on literature curation. See Pubmed ID:23861362 for details.

Medical sequencing

PreventionGenetics, part of Exact Sciences
Classification: Likely benign for TTN-related condition. Last evaluated: 2023-11-29. Review status: no assertion criteria provided. Collection method: clinical testing. Allele origin: germline. Not counted in ClinVar's aggregate classification.
Comment: This variant is classified as likely benign based on ACMG/AMP sequence variant interpretation guidelines (Richards et al. 2015 PMID: 25741868, with internal and published modifications).

Clinical Genetics, Academic Medical Center
Classification: Benign. Review status: no assertion criteria provided. Collection method: clinical testing. Allele origin: germline. Affected: yes. Study: VKGL Data-share Consensus. Not counted in ClinVar's aggregate classification.

Diagnostic Laboratory, Department of Genetics, University Medical Center Groningen
Classification: Likely benign. Review status: no assertion criteria provided. Collection method: clinical testing. Allele origin: germline. Affected: yes. Study: VKGL Data-share Consensus. Not counted in ClinVar's aggregate classification.

Joint Genome Diagnostic Labs from Nijmegen and Maastricht, Radboudumc and MUMC+
Classification: Likely benign. Review status: no assertion criteria provided. Collection method: clinical testing. Allele origin: germline. Affected: yes. Study: VKGL Data-share Consensus. Not counted in ClinVar's aggregate classification.

Literature cited by the submitters: PubMed 23396983 (cited by Athena Diagnostics); PubMed 23861362 (cited by Athena Diagnostics and Laboratory for Molecular Medicine, Mass General Brigham Personalized Medicine); PubMed 35207729 (cited by Athena Diagnostics); PubMed 28771489 (cited by Athena Diagnostics and Women's Health and Genetics/Laboratory Corporation of America, LabCorp); PubMed 26516846 (cited by Athena Diagnostics and Women's Health and Genetics/Laboratory Corporation of America, LabCorp).